The following is an entry in ClinVar:

NM_001267550.2(TTN):c.3130G>T (p.Ala1044Ser)

Gene: TTN (titin; minus strand). Cytogenetic location: 2q31.2.
Variant type: single nucleotide variant.
Coding change: c.3130G>T on transcript NM_001267550.2 (MANE Select); coding-DNA position 3130, G replaced by T.
Protein change: p.Ala1044Ser; replaces alanine 1044 with serine.
Molecular consequence: missense variant.
Genome position (GRCh38, 1-based): chr2:178,782,573, C>A on the plus strand (G>T on the coding strand, the complement: TTN is on the minus strand). VCF-style: chr2-178782573-C-A. GRCh37 (hg19) VCF-style: chr2-179647300-C-A.
Other names: c.3130G>T, p.Ala1044Ser (NM_001256850.1, NM_133378.4, NM_133379.5); c.2992G>T, p.Ala998Ser (NM_003319.4, NM_133432.3, NM_133437.4); short protein forms A1044S, A998S.
Identifiers: ClinVar variation 1798543 (VCV001798543.2), dbSNP rs746365549, ClinGen allele CA349488775.
Genomic context (GRCh38, chr2:178,782,573, plus strand): 5'-AGCTACTAATTAGCAAAATATTTTACCGTTTCTCTTCTGTAGTAAATTTCTCAGTCACGG[C>A]TGTGGTTTCCTTTTCAAATTCTTCTGACACTAAAAGAAGACAAAAGTTTCTCATTGAGAT-3'
Protein context (NP_001254479.2, residues 1034-1054): VSEEFEKETT[Ala1044Ser]VTEKFTTEEK

ClinVar aggregate classification (germline): Uncertain significance (1 of 4 stars; one submission).

Conditions:
Cardiovascular phenotype. Identifiers: MedGen CN230736.

gnomAD v4.1: 4 of 1,613,840 alleles (0.00025%); highest among the groups gnomAD compares: African/African-American, 0.0053%; no homozygotes.

Submission:

Ambry Genetics
Classification: Uncertain significance for Cardiovascular phenotype. Last evaluated: 2019-12-04. Review status: criteria provided, single submitter. Criteria: Ambry Variant Classification Scheme 2023. Collection method: clinical testing. Allele origin: germline.
Comment: The p.A998S variant (also known as c.2992G>T), located in coding exon 17 of the TTN gene, results from a G to T substitution at nucleotide position 2992. The alanine at codon 998 is replaced by serine, an amino acid with similar properties. This amino acid position is poorly conserved in available vertebrate species. In addition, this alteration is predicted to be tolerated by in silico analysis. Since supporting evidence is limited at this time, the clinical significance of this alteration remains unclear.